The following is an entry in ClinVar:

NM_000222.3(KIT):c.619+5T>G

Gene: KIT (KIT proto-oncogene, receptor tyrosine kinase; plus strand). Cytogenetic location: 4q12.
Variant type: single nucleotide variant.
Coding change: c.619+5T>G on transcript NM_000222.3 (MANE Select); 5 bases into the intron after coding-DNA position 619, T replaced by G.
Molecular consequence: intron variant.
Genome position (GRCh38, 1-based): chr4:54,698,570, T>G. VCF-style: chr4-54698570-T-G. GRCh37 (hg19) VCF-style: chr4-55564736-T-G.
Other names: c.619+5T>G (NM_001385284.1, NM_001385290.1, NM_001385288.1 and 4 more transcripts).
Identifiers: ClinVar variation 2134963 (VCV002134963.4), dbSNP rs1060502565, ClinGen allele CA2580071096.

ClinVar aggregate classification (germline): Uncertain significance (1 of 4 stars; one submission).

Conditions:
Gastrointestinal stromal tumor. Also called: Gastrointestinal stroma tumor; Gastrointestinal stromal tumor, somatic. Identifiers: Orphanet 44890, MedGen C0238198, MeSH D046152, MONDO:0011719, OMIM 606764, HP:0100723.

Submission:

Labcorp Genetics (formerly Invitae), Labcorp
Classification: Uncertain significance for Gastrointestinal stromal tumor. Last evaluated: 2022-05-07. Review status: criteria provided, single submitter. Criteria: Invitae Variant Classification Sherloc (09022015). Collection method: clinical testing. Allele origin: germline.
Comment: In summary, the available evidence is currently insufficient to determine the role of this variant in disease. Therefore, it has been classified as a Variant of Uncertain Significance. Variants that disrupt the consensus splice site are a relatively common cause of aberrant splicing (PMID: 17576681, 9536098). Algorithms developed to predict the effect of sequence changes on RNA splicing suggest that this variant is not likely to affect RNA splicing. This variant has not been reported in the literature in individuals affected with KIT-related conditions. This variant is not present in population databases (gnomAD no frequency). This sequence change falls in intron 3 of the KIT gene. It does not directly change the encoded amino acid sequence of the KIT protein. It affects a nucleotide within the consensus splice site.

Literature cited by the submitters: PubMed 17576681; PubMed 9536098.